The following is an entry in ClinVar:

ClinVar aggregate classification (germline): Uncertain significance. Review status: criteria provided, multiple submitters, no conflicts (2 of 4 stars). 2 submissions from 2 submitters: Uncertain significance (2). Last evaluated 2025-12-01.

Conditions:
Inborn genetic diseases. Identifiers: MedGen C0950123, MeSH D030342.

Allele frequency attached by ClinVar (database versions not stated): gnomAD exomes 0.00002 and 0.00003; ExAC 0.00004; gnomAD 0.00004; ESP Exome Variant Server 0.00008.
gnomAD v4.1: 57 of 1,613,664 alleles (0.0035%); highest among the groups gnomAD compares: Non-Finnish European, 0.0042%; no homozygotes.

Submissions (2):

Labcorp Genetics (formerly Invitae), Labcorp
Classification: Uncertain significance. Last evaluated: 2025-12-01. Review status: criteria provided, single submitter. Criteria: Invitae Variant Classification Sherloc (09022015). Collection method: clinical testing. Allele origin: germline.
Comment: This sequence change replaces alanine, which is neutral and non-polar, with valine, which is neutral and non-polar, at codon 1198 of the MYH3 protein (p.Ala1198Val). This variant is present in population databases (rs374929326, gnomAD 0.008%). This variant has not been reported in the literature in individuals affected with MYH3-related conditions. ClinVar contains an entry for this variant (Variation ID: 1345251). Invitae Evidence Modeling of protein sequence and biophysical properties (such as structural, functional, and spatial information, amino acid conservation, physicochemical variation, residue mobility, and thermodynamic stability) indicates that this missense variant is not expected to disrupt MYH3 protein function with a negative predictive value of 95%. In summary, the available evidence is currently insufficient to determine the role of this variant in disease. Therefore, it has been classified as a Variant of Uncertain Significance.

Ambry Genetics
Classification: Uncertain significance for Inborn genetic diseases. Last evaluated: 2021-10-26. Review status: criteria provided, single submitter. Criteria: Ambry Variant Classification Scheme 2023. Collection method: clinical testing. Allele origin: germline.

NM_002470.4(MYH3):c.3593C>T (p.Ala1198Val)

Gene: MYH3 (myosin heavy chain 3; minus strand). Cytogenetic location: 17p13.1.
Variant type: single nucleotide variant.
Coding change: c.3593C>T on transcript NM_002470.4 (MANE Select); coding-DNA position 3593, C replaced by T.
Protein change: p.Ala1198Val; replaces alanine 1198 with valine.
Molecular consequence: missense variant.
Genome position (GRCh38, 1-based): chr17:10,638,179, G>A on the plus strand (C>T on the coding strand, the complement: MYH3 is on the minus strand). VCF-style: chr17-10638179-G-A. GRCh37 (hg19) VCF-style: chr17-10541496-G-A.
Other names: c.3593C>T (NM_002470.3); short protein forms A1198V.
Identifiers: ClinVar variation 1345251 (VCV001345251.7), dbSNP rs374929326, ClinGen allele CA8392469.